The following is an entry in ClinVar:

ClinVar aggregate classification (germline): Uncertain significance (1 of 4 stars; one submission).

Submission:

GeneDx
Classification: Uncertain significance. Last evaluated: 2023-03-16. Review status: criteria provided, single submitter. Criteria: GeneDx Variant Classification Process June 2021. Collection method: clinical testing. Allele origin: germline.
Comment: Not observed at significant frequency in large population cohorts (gnomAD); Has not been previously published as pathogenic or benign to our knowledge; Nonsense variant predicted to result in protein truncation or nonsense mediated decay in a gene or region of a gene for which loss of function is not a well-established mechanism of disease; Variants in candidate genes are classified as variants of uncertain significance in accordance with ACMG guidelines (Richards et al., 2015)

NM_002332.3(LRP1):c.2099G>A (p.Trp700Ter)

Gene: LRP1 (LDL receptor related protein 1; plus strand). Cytogenetic location: 12q13.3.
Variant type: single nucleotide variant.
Coding change: c.2099G>A on transcript NM_002332.3 (MANE Select); coding-DNA position 2099, G replaced by A.
Protein change: p.Trp700Ter; replaces tryptophan 700 with a stop codon.
Molecular consequence: nonsense.
Genome position (GRCh38, 1-based): chr12:57,161,012, G>A. VCF-style: chr12-57161012-G-A. GRCh37 (hg19) VCF-style: chr12-57554795-G-A.
Other names: short protein forms W700*.
Identifiers: ClinVar variation 4976636 (VCV004976636.1).